The following is an entry in ClinVar:

ClinVar aggregate classification (germline): Uncertain significance (1 of 4 stars; one submission).

Conditions:
Parkinson disease 17 (PARK17). Also called: VPS35-Related Parkinson Disease. Identifiers: Orphanet 411602, MedGen C3280133, MONDO:0013625, OMIM 614203.

Submission:

3billion
Classification: Uncertain significance for Parkinson disease 17. Last evaluated: 2025-11-30. Review status: criteria provided, single submitter. Criteria: ACMG Guidelines, 2015. Collection method: clinical testing. Allele origin: germline. Affected: yes.
Comment: The variant is not observed in the gnomAD v4.1.0 dataset. Predicted Consequence/Location: Missense variant. Missense changes are a common disease-causing mechanism. Damaging effect on gene or gene product predicted by in silico programs is uncertain [REVEL: 0.35 (damaging >=0.6, benign <0.4), 3Cnet: 0.30 (damaging >0.75, benign <0.1)]. Therefore, this variant is classified as VUS according to the recommendation of ACMG/AMP guideline.

NM_018206.6(VPS35):c.120G>T (p.Met40Ile)

Gene: VPS35 (VPS35 retromer complex component; minus strand). Cytogenetic location: 16q11.2.
Variant type: single nucleotide variant.
Coding change: c.120G>T on transcript NM_018206.6 (MANE Select); coding-DNA position 120, G replaced by T.
Protein change: p.Met40Ile; replaces methionine 40 with isoleucine.
Molecular consequence: missense variant.
Genome position (GRCh38, 1-based): chr16:46,682,158, C>A on the plus strand (G>T on the coding strand, the complement: VPS35 is on the minus strand). VCF-style: chr16-46682158-C-A. GRCh37 (hg19) VCF-style: chr16-46716070-C-A.
Other names: short protein forms M40I.
Identifiers: ClinVar variation 4856373 (VCV004856373.1).